The following is an entry in ClinVar:

NM_001145252.3(CFP):c.527G>A (p.Gly176Glu)

Gene: CFP (complement factor properdin; minus strand). Cytogenetic location: Xp11.23.
Variant type: single nucleotide variant.
Coding change: c.527G>A on transcript NM_001145252.3 (MANE Select); coding-DNA position 527, G replaced by A.
Protein change: p.Gly176Glu; replaces glycine 176 with glutamic acid.
Molecular consequence: missense variant.
Genome position (GRCh38, 1-based): chrX:47,627,518, C>T on the plus strand (G>A on the coding strand, the complement: CFP is on the minus strand). VCF-style: chrX-47627518-C-T. GRCh37 (hg19) VCF-style: chrX-47486917-C-T.
Other names: c.527G>A, p.Gly176Glu (NM_002621.2); short protein forms G176E.
Identifiers: ClinVar variation 4741935 (VCV004741935.1).

ClinVar aggregate classification (germline): Uncertain significance (1 of 4 stars; one submission).

Submission:

Labcorp Genetics (formerly Invitae), Labcorp
Classification: Uncertain significance. Last evaluated: 2025-11-01. Review status: criteria provided, single submitter. Criteria: Invitae Variant Classification Sherloc (09022015). Collection method: clinical testing. Allele origin: germline.
Comment: This sequence change replaces glycine, which is neutral and non-polar, with glutamic acid, which is acidic and polar, at codon 176 of the CFP protein (p.Gly176Glu). This variant is not present in population databases (gnomAD no frequency). This variant has not been reported in the literature in individuals affected with CFP-related conditions. Invitae Evidence Modeling of protein sequence and biophysical properties (such as structural, functional, and spatial information, amino acid conservation, physicochemical variation, residue mobility, and thermodynamic stability) indicates that this missense variant is not expected to disrupt CFP protein function with a negative predictive value of 80%. In summary, the available evidence is currently insufficient to determine the role of this variant in disease. Therefore, it has been classified as a Variant of Uncertain Significance.